The following is an entry in ClinVar:

ClinVar aggregate classification (germline): Pathogenic (1 of 4 stars; one submission).

Conditions:
Anauxetic dysplasia. Identifiers: Orphanet 93347, MedGen C1846796, MONDO:0011773.

Submission:

Labcorp Genetics (formerly Invitae), Labcorp
Classification: Pathogenic for Anauxetic dysplasia. Last evaluated: 2024-02-19. Review status: criteria provided, single submitter. Criteria: Invitae Variant Classification Sherloc (09022015). Collection method: clinical testing. Allele origin: germline.
Comment: This variant occurs in the RMRP gene, which encodes an RNA molecule that does not result in a protein product. This variant is not present in population databases (gnomAD no frequency). While this particular variant has not been reported in the literature, it is located in the promoter region between the TATA box and the transcription initiation site, and other insertions and duplications immediately upstream of the coding sequence have been reported in individuals affected with cartilage-hair hypoplasia-anauxetic dysplasia (CHH-AD) spectrum disorders (PMID: 16244706, 11207361, 12107819). While functional studies for this variant have not been reported, experimental analyses using patient derived cells, as well as in vitro transfection studies, have shown that promoter insertions result in silencing of RMRP transcription and reduced expression of the gene product (PMID: 11207361, 16254002). For these reasons, this variant has been classified as Pathogenic.

Literature cited by the submitters: PubMed 16244706; PubMed 11207361; PubMed 12107819; PubMed 16254002.

NC_000009.12:g.35658017_35658036dup

Gene: RMRP (RNA component of mitochondrial RNA processing endoribonuclease; minus strand). Cytogenetic location: 9p13.3.
Variant type: Duplication.
Genome position: GRCh38 VCF-style: chr9-35658016-A-ACCACGTCCTCAGCTTCACAG. GRCh37 (hg19) VCF-style: chr9-35658013-A-ACCACGTCCTCAGCTTCACAG.
Identifiers: ClinVar variation 3642087 (VCV003642087.2).